The following is an entry in ClinVar:

NM_006265.3(RAD21):c.1185G>A (p.Pro395=)

Gene: RAD21 (RAD21 cohesin complex component; minus strand). Cytogenetic location: 8q24.11.
Variant type: single nucleotide variant.
Coding change: c.1185G>A on transcript NM_006265.3 (MANE Select); coding-DNA position 1185, G replaced by A.
Protein change: p.Pro395=; no amino-acid change (proline 395 retained).
Molecular consequence: synonymous variant.
Genome position (GRCh38, 1-based): chr8:116,852,685, C>T on the plus strand (G>A on the coding strand, the complement: RAD21 is on the minus strand). VCF-style: chr8-116852685-C-T. GRCh37 (hg19) VCF-style: chr8-117864924-C-T.
Identifiers: ClinVar variation 259961 (VCV000259961.47), dbSNP rs138247094, ClinGen allele CA4852879.

ClinVar aggregate classification (germline): Likely benign. Review status: criteria provided, multiple submitters, no conflicts (2 of 4 stars). 5 submissions from 5 submitters: Likely benign (5). Last evaluated 2026-07-01.

Conditions:
Inborn genetic diseases. Identifiers: MedGen C0950123, MeSH D030342.
Cornelia de Lange syndrome 4 (CDLS4). Also called: CORNELIA DE LANGE SYNDROME 4 WITH OR WITHOUT MIDLINE BRAIN DEFECTS; RAD21-Related Cornelia de Lange Syndrome. Identifiers: Orphanet 199, MedGen C3553517, MONDO:0013864, OMIM 614701.

Allele frequency attached by ClinVar (database versions not stated): 1000 Genomes Project 0.00020; ExAC 0.00022; gnomAD 0.00026 and 0.00027; TOPMed 0.00029; 1000 Genomes Project 30x 0.00031; gnomAD exomes 0.00032 and 0.00044; ESP Exome Variant Server 0.00054.
gnomAD v4.1: 681 of 1,581,750 alleles (0.043%); highest among the groups gnomAD compares: Non-Finnish European, 0.051%; 1 homozygote.

Submissions (5):

CeGaT Center for Human Genetics Tuebingen
Classification: Likely benign. Last evaluated: 2026-07-01. Review status: criteria provided, single submitter. Criteria: CeGaT Center For Human Genetics Tuebingen Variant Classification Criteria Version 2. Collection method: clinical testing. Allele origin: germline. Affected: yes. Observed: 8 variant alleles.
Comment: RAD21: BP4, BP7

Labcorp Genetics (formerly Invitae), Labcorp
Classification: Likely benign for Cornelia de Lange syndrome 4. Last evaluated: 2025-12-20. Review status: criteria provided, single submitter. Criteria: Invitae Variant Classification Sherloc (09022015). Collection method: clinical testing. Allele origin: germline.

Blueprint Genetics
Classification: Likely benign. Last evaluated: 2024-08-23. Review status: criteria provided, single submitter. Criteria: ACMG Guidelines, 2015. Collection method: clinical testing. Allele origin: germline.

Ambry Genetics
Classification: Likely benign for Inborn genetic diseases. Last evaluated: 2017-12-18. Review status: criteria provided, single submitter. Criteria: Ambry Variant Classification Scheme 2023. Collection method: clinical testing. Allele origin: germline.

PreventionGenetics, part of Exact Sciences
Classification: Likely benign. Review status: criteria provided, single submitter. Criteria: ACMG Guidelines, 2015. Collection method: clinical testing. Allele origin: germline.